The following is an entry in ClinVar:

NM_015135.3(NUP205):c.5821G>A (p.Ala1941Thr)

Gene: NUP205 (nucleoporin 205; plus strand). Cytogenetic location: 7q33.
Variant type: single nucleotide variant.
Coding change: c.5821G>A on transcript NM_015135.3 (MANE Select); coding-DNA position 5821, G replaced by A.
Protein change: p.Ala1941Thr; replaces alanine 1941 with threonine.
Molecular consequence: missense variant.
Genome position (GRCh38, 1-based): chr7:135,646,166, G>A. VCF-style: chr7-135646166-G-A. GRCh37 (hg19) VCF-style: chr7-135330914-G-A.
Other names: c.4747G>A, p.Ala1583Thr (NM_001329434.2); short protein forms A1583T, A1941T.
Identifiers: ClinVar variation 2154591 (VCV002154591.4), dbSNP rs765728692, ClinGen allele CA4499306.
Genomic context (GRCh38, chr7:135,646,166, plus strand): 5'-GTGGTAGATAGGTACTTGCACAGCCGGTATGACTCTGTTTTTTTATCTCTAGATTCCTTC[G>A]CCTCAGAAACCAATCTAGATTTTAGAAGTGGGCTGGCTATAGTGAGCCAACATGATTTAG-3'
Protein context (NP_055950.2, residues 1931-1951): FKSRRLQDSF[Ala1941Thr]SETNLDFRSG

ClinVar aggregate classification (germline): Uncertain significance (1 of 4 stars; one submission).

Allele frequency attached by ClinVar (database versions not stated): gnomAD 0.00001; gnomAD exomes 0.00001; ExAC 0.00002; TOPMed 0.00002.
gnomAD v4.1: 19 of 1,612,094 alleles (0.0012%); highest among the groups gnomAD compares: Admixed American, 0.0017%; no homozygotes.

Submission:

Labcorp Genetics (formerly Invitae), Labcorp
Classification: Uncertain significance. Last evaluated: 2022-03-04. Review status: criteria provided, single submitter. Criteria: Invitae Variant Classification Sherloc (09022015). Collection method: clinical testing. Allele origin: germline.
Comment: This variant has not been reported in the literature in individuals affected with NUP205-related conditions. In summary, the available evidence is currently insufficient to determine the role of this variant in disease. Therefore, it has been classified as a Variant of Uncertain Significance. Algorithms developed to predict the effect of missense changes on protein structure and function output the following: SIFT: "Tolerated"; PolyPhen-2: "Benign"; Align-GVGD: "Class C0". The threonine amino acid residue is found in multiple mammalian species, which suggests that this missense change does not adversely affect protein function. This variant is present in population databases (rs765728692, gnomAD 0.003%). This sequence change replaces alanine, which is neutral and non-polar, with threonine, which is neutral and polar, at codon 1941 of the NUP205 protein (p.Ala1941Thr).